The following is an entry in ClinVar:

ClinVar aggregate classification (germline): Uncertain significance. Review status: criteria provided, multiple submitters, no conflicts (2 of 4 stars). 2 submissions from 2 submitters: Uncertain significance (2). Last evaluated 2022-06-01.

Conditions:
Vanishing white matter disease. Also called: CACH syndrome; Childhood ataxia with diffuse central nervous system hypomyelination; Leukoencephalopathy with vanishing white matter; CACH/VWM syndrome; Cree leukoencehalopathy. Identifiers: Orphanet 135, Orphanet 99853, MedGen C1858991, MONDO:0800448.

Allele frequency attached by ClinVar (database versions not stated): TOPMed below 0.00001; gnomAD 0.00001.
gnomAD v4.1: 1 of 1,613,900 alleles (0.000062%); highest among the groups gnomAD compares: Non-Finnish European, 0.000085%; no homozygotes.

Submissions (2):

Labcorp Genetics (formerly Invitae), Labcorp
Classification: Uncertain significance. Last evaluated: 2022-06-01. Review status: criteria provided, single submitter. Criteria: Invitae Variant Classification Sherloc (09022015). Collection method: clinical testing. Allele origin: germline.
Comment: This sequence change replaces threonine, which is neutral and polar, with alanine, which is neutral and non-polar, at codon 77 of the EIF2B2 protein (p.Thr77Ala). This variant is not present in population databases (gnomAD no frequency). This variant has not been reported in the literature in individuals affected with EIF2B2-related conditions. ClinVar contains an entry for this variant (Variation ID: 885153). Algorithms developed to predict the effect of missense changes on protein structure and function (SIFT, PolyPhen-2, Align-GVGD) all suggest that this variant is likely to be tolerated. In summary, the available evidence is currently insufficient to determine the role of this variant in disease. Therefore, it has been classified as a Variant of Uncertain Significance.

Illumina Laboratory Services, Illumina
Classification: Uncertain significance for Leukoencephalopathy with vanishing white matter 1. Last evaluated: 2018-01-13. Review status: criteria provided, single submitter. Criteria: ICSL Variant Classification Criteria 13 December 2019. Collection method: clinical testing. Allele origin: germline.

NM_014239.4(EIF2B2):c.229A>G (p.Thr77Ala)

Gene: EIF2B2 (eukaryotic translation initiation factor 2B subunit beta; plus strand). Cytogenetic location: 14q24.3.
Variant type: single nucleotide variant.
Coding change: c.229A>G on transcript NM_014239.4 (MANE Select); coding-DNA position 229, A replaced by G.
Protein change: p.Thr77Ala; replaces threonine 77 with alanine.
Molecular consequence: missense variant.
Genome position (GRCh38, 1-based): chr14:75,003,340, A>G. VCF-style: chr14-75003340-A-G. GRCh37 (hg19) VCF-style: chr14-75470043-A-G.
Other names: short protein forms T77A.
Identifiers: ClinVar variation 885153 (VCV000885153.5), dbSNP rs1889569694, ClinGen allele CA390424024.